The following is an entry in ClinVar:

NM_025074.7(FRAS1):c.11907C>G (p.His3969Gln)

Gene: FRAS1 (Fraser extracellular matrix complex subunit 1; plus strand). Cytogenetic location: 4q21.21.
Variant type: single nucleotide variant.
Coding change: c.11907C>G on transcript NM_025074.7 (MANE Select); coding-DNA position 11907, C replaced by G.
Protein change: p.His3969Gln; replaces histidine 3969 with glutamine.
Molecular consequence: missense variant.
Genome position (GRCh38, 1-based): chr4:78,540,992, C>G. VCF-style: chr4-78540992-C-G. GRCh37 (hg19) VCF-style: chr4-79462146-C-G.
Other names: short protein forms H3969Q.
Identifiers: ClinVar variation 281469 (VCV000281469.24), dbSNP rs140492803, ClinGen allele CA2979329.

ClinVar aggregate classification (germline): Conflicting classifications of pathogenicity. Review status: criteria provided, conflicting classifications (1 of 4 stars). 6 submissions from 6 submitters: Uncertain significance (1); Benign (1); Likely benign (3). 1 of the submissions does not count toward it. Last evaluated 2026-03-24.

Conditions:
FRAS1-related disorder. Also called: FRAS1-related condition.
Fraser syndrome 1 (FRASRS1). Also called: CRYPTOPHTHALMOS WITH OTHER MALFORMATIONS. Identifiers: Orphanet 2052, MedGen C4551480, MONDO:0054737, OMIM 219000.

Allele frequency attached by ClinVar (database versions not stated): gnomAD exomes 0.00055; ExAC 0.00067; 1000 Genomes Project 30x 0.00203; ESP Exome Variant Server 0.00215; 1000 Genomes Project 0.00240; gnomAD 0.00257 and 0.00272; TOPMed 0.00288.
gnomAD v4.1: 699 of 1,605,726 alleles (0.044%); highest among the groups gnomAD compares: African/African-American, 0.87%; 3 homozygotes.

Submissions (6):

Women's Health and Genetics/Laboratory Corporation of America, LabCorp
Classification: Likely benign. Last evaluated: 2026-03-24. Review status: criteria provided, single submitter. Criteria: LabCorp Variant Classification Summary - May 2015. Collection method: clinical testing. Allele origin: germline.
Comment: Variant summary: FRAS1 c.11907C>G (p.His3969Gln) results in a non-conservative amino acid change in the encoded protein sequence. Algorithms developed to predict the effect of missense changes on protein structure and function are either unavailable or do not agree on the potential impact of this missense change. The variant allele was found at a frequency of 0.00055 in 245670 control chromosomes, predominantly at a frequency of 0.0084 within the African or African-American subpopulation in the gnomAD database. The observed variant frequency within African or African-American control individuals in the gnomAD database exceeds the estimated maximal expected allele frequency for disease-causing variants in FRAS1. To our knowledge, no occurrence of c.11907C>G in individuals affected with FRAS1-related conditions and no experimental evidence demonstrating its impact on protein function have been reported. ClinVar contains an entry for this variant (Variation ID: 281469). Based on the evidence outlined above, the variant was classified as likely benign.

Labcorp Genetics (formerly Invitae), Labcorp
Classification: Likely benign. Last evaluated: 2026-01-20. Review status: criteria provided, single submitter. Criteria: Invitae Variant Classification Sherloc (09022015). Collection method: clinical testing. Allele origin: germline.

GeneDx
Classification: Uncertain significance. Last evaluated: 2023-03-11. Review status: criteria provided, single submitter. Criteria: GeneDx Variant Classification Process June 2021. Collection method: clinical testing. Allele origin: germline. Affected: yes.
Comment: Reported with unknown phase with two other FRAS1 variants in a patient with clubfoot, unilateral incomplete cleft lip, micropenis, and cryptorchidism, but this individual was also reported to have a variant in the CHD7 gene as well (Gowans et al., 2021); In silico analysis supports that this missense variant does not alter protein structure/function; This variant is associated with the following publications: (PMID: 33719213)

Illumina Laboratory Services, Illumina
Classification: Likely benign for Fraser syndrome 1. Last evaluated: 2018-01-12. Review status: criteria provided, single submitter. Criteria: ICSL Variant Classification Criteria 13 December 2019. Collection method: clinical testing. Allele origin: germline.
Comment: This variant was observed in the ICSL laboratory as part of a predisposition screen in an ostensibly healthy population. It had not been previously curated by ICSL or reported in the Human Gene Mutation Database (HGMD: prior to June 1st, 2018), and was therefore a candidate for classification through an automated scoring system. Utilizing variant allele frequency, disease prevalence and penetrance estimates, and inheritance mode, an automated score was calculated to assess if this variant is too frequent to cause the disease. Based on the score and internal cut-off values, a variant classified as likely benign is not then subjected to further curation. The score for this variant resulted in a classification of likely benign for this disease.

Eurofins Ntd Llc (ga)
Classification: Benign. Last evaluated: 2015-06-25. Review status: criteria provided, single submitter. Criteria: EGL Classification Definitions 2015. Collection method: clinical testing. Allele origin: germline. Observed: 1 variant allele, 1 heterozygote.

PreventionGenetics, part of Exact Sciences
Classification: Benign for FRAS1-related condition. Last evaluated: 2023-05-22. Review status: no assertion criteria provided. Collection method: clinical testing. Allele origin: germline. Not counted in ClinVar's aggregate classification.
Comment: This variant is classified as benign based on ACMG/AMP sequence variant interpretation guidelines (Richards et al. 2015 PMID: 25741868, with internal and published modifications).